The following is an entry in ClinVar:

ClinVar aggregate classification (germline): Uncertain significance. Review status: criteria provided, multiple submitters, no conflicts (2 of 4 stars). 2 submissions from 2 submitters: Uncertain significance (2). Last evaluated 2023-10-06.

Conditions:
RYR1-related disorder. Also called: RYR1-related condition; RYR1-related disorders. Identifiers: MedGen CN239331.
Malignant hyperthermia, susceptibility to, 1 (MHS1). Also called: Anesthesia related hyperthermia; Malignant hyperpyrexia; Fulminating hyperpyrexia; Pharmacogenic myopathy; RYR1-Related Malignant Hyperthermia Susceptibility; Malignant hyperthermia suceptibility 1. Identifiers: Orphanet 423, MedGen C2930980, MONDO:0007783, OMIM 145600.

Submissions (2):

All of Us Research Program, National Institutes of Health
Classification: Uncertain significance for Malignant hyperthermia, susceptibility to, 1. Last evaluated: 2023-10-06. Review status: criteria provided, single submitter. Criteria: ACMG Guidelines, 2015. Collection method: clinical testing. Allele origin: germline. Inheritance: Autosomal dominant inheritance. Observed: 1 variant allele, 1 heterozygote.
Comment: This missense variant replaces tyrosine with phenylalanine at codon 4193 of the RYR1 protein. Computational prediction suggests that this variant may have deleterious impact on protein structure and function (internally defined REVEL score threshold >= 0.7, PMID: 27666373). To our knowledge, functional studies have not been reported for this variant. This variant has not been reported in individuals affected with RYR1-related disorders in the literature. This variant has not been identified in the general population by the Genome Aggregation Database (gnomAD). The available evidence is insufficient to determine the role of this variant in disease conclusively. Therefore, this variant is classified as a Variant of Uncertain Significance.

This study involves interpretation of variants in research participants for the purpose of population health screening. Participant phenotype was not available at the time of variant classification. Additional details can be found in publication PMID: 35346344, PMCID: PMC8962531

Labcorp Genetics (formerly Invitae), Labcorp
Classification: Uncertain significance for RYR1-related disorder. Last evaluated: 2020-07-27. Review status: criteria provided, single submitter. Criteria: Invitae Variant Classification Sherloc (09022015). Collection method: clinical testing. Allele origin: germline.
Comment: Advanced modeling of protein sequence and biophysical properties (such as structural, functional, and spatial information, amino acid conservation, physicochemical variation, residue mobility, and thermodynamic stability) performed at Invitae indicates that this missense variant is expected to disrupt RYR1 protein function. This sequence change replaces tyrosine with phenylalanine at codon 4193 of the RYR1 protein (p.Tyr4193Phe). The tyrosine residue is moderately conserved and there is a small physicochemical difference between tyrosine and phenylalanine. This variant is not present in population databases (ExAC no frequency). This variant has not been reported in the literature in individuals with RYR1-related conditions. In summary, the available evidence is currently insufficient to determine the role of this variant in disease. Therefore, it has been classified as a Variant of Uncertain Significance.

NM_000540.3(RYR1):c.12578A>T (p.Tyr4193Phe)

Gene: RYR1 (ryanodine receptor 1; plus strand). Cytogenetic location: 19q13.2.
Variant type: single nucleotide variant.
Coding change: c.12578A>T on transcript NM_000540.3 (MANE Select); coding-DNA position 12578, A replaced by T.
Protein change: p.Tyr4193Phe; replaces tyrosine 4193 with phenylalanine.
Molecular consequence: missense variant.
Genome position (GRCh38, 1-based): chr19:38,561,408, A>T. VCF-style: chr19-38561408-A-T. GRCh37 (hg19) VCF-style: chr19-39052048-A-T.
Other names: c.12563A>T, p.Tyr4188Phe (NM_001042723.2); short protein forms Y4193F, Y4188F.
Identifiers: ClinVar variation 1044701 (VCV001044701.9), dbSNP rs1973134094, ClinGen allele CA405669757.